The following is an entry in ClinVar:

ClinVar aggregate classification (germline): Benign/Likely benign. Review status: criteria provided, multiple submitters, no conflicts (2 of 4 stars). 3 submissions from 3 submitters: Benign (1); Likely benign (2). Last evaluated 2026-01-11.

Conditions:
COL18A1-related disorder. Also called: COL18A1-related condition; COL18A1-related disorders.

Allele frequency attached by ClinVar (database versions not stated): 1000 Genomes Project 30x 0.00109; 1000 Genomes Project 0.00140.
gnomAD v4.1: 271 of 1,613,744 alleles (0.017%); highest among the groups gnomAD compares: South Asian, 0.27%; 2 homozygotes.

Submissions (3):

Labcorp Genetics (formerly Invitae), Labcorp
Classification: Benign. Last evaluated: 2026-01-11. Review status: criteria provided, single submitter. Criteria: Invitae Variant Classification Sherloc (09022015). Collection method: clinical testing. Allele origin: germline.

PreventionGenetics, part of Exact Sciences
Classification: Likely benign for COL18A1-related condition. Last evaluated: 2025-11-19. Review status: criteria provided, single submitter. Criteria: ACMG Guidelines, 2015. Collection method: clinical testing. Allele origin: germline.
Comment: This variant is classified as likely benign based on ACMG/AMP sequence variant interpretation guidelines (Richards et al. 2015 PMID: 25741868, with internal and published modifications).

Blueprint Genetics
Classification: Likely benign. Last evaluated: 2024-11-28. Review status: criteria provided, single submitter. Criteria: ACMG Guidelines, 2015. Collection method: clinical testing. Allele origin: germline.

NM_001379500.1(COL18A1):c.846G>A (p.Thr282=)

Gene: COL18A1 (collagen type XVIII alpha 1 chain; plus strand). Cytogenetic location: 21q22.3.
Variant type: single nucleotide variant.
Coding change: c.846G>A on transcript NM_001379500.1 (MANE Select); coding-DNA position 846, G replaced by A.
Protein change: p.Thr282=; no amino-acid change (threonine 282 retained).
Molecular consequence: synonymous variant.
Genome position (GRCh38, 1-based): chr21:45,476,398, G>A. VCF-style: chr21-45476398-G-A. GRCh37 (hg19) VCF-style: chr21-46896312-G-A.
Other names: c.1386G>A, p.Thr462= (NM_030582.4); c.2091G>A, p.Thr697= (NM_130444.3); c.1386G>A (NM_030582.3).
Identifiers: ClinVar variation 1555551 (VCV001555551.10), dbSNP rs2230688, ClinGen allele CA10065964.
Genomic context (GRCh38, chr21:45,476,398, plus strand): 5'-TCTCGTCCTCCAGGGCGCGGCCCTAAAACCCAGGCTCCCCGCGCCACCCCCCGTCACCAC[G>A]CCACCCTTGGCTGGAGGCAGCAGCACGGAAGATTCCAGAAGTGAAGAAGTCGAGGAGCAG-3'
Protein context (NP_001366429.1, residues 272-292): PRLPAPPPVT[Thr282=]PPLAGGSSTE